The following is an entry in ClinVar:

ClinVar aggregate classification (germline): Uncertain significance (1 of 4 stars; one submission).

Conditions:
Brody myopathy. Also called: BRODY DISEASE. Identifiers: Orphanet 53347, MedGen C1832918, MONDO:0010977, OMIM 601003.

Allele frequency attached by ClinVar (database versions not stated): ExAC 0.00001; gnomAD 0.00001; gnomAD exomes 0.00001 and 0.00002; TOPMed 0.00002.
gnomAD v4.1: 15 of 1,614,014 alleles (0.00093%); highest among the groups gnomAD compares: East Asian, 0.0022%; no homozygotes.

Submission:

Labcorp Genetics (formerly Invitae), Labcorp
Classification: Uncertain significance for Brody myopathy. Last evaluated: 2022-07-05. Review status: criteria provided, single submitter. Criteria: Invitae Variant Classification Sherloc (09022015). Collection method: clinical testing. Allele origin: germline.
Comment: This sequence change replaces valine, which is neutral and non-polar, with isoleucine, which is neutral and non-polar, at codon 283 of the ATP2A1 protein (p.Val283Ile). This variant is present in population databases (rs781166858, gnomAD 0.004%). This variant has not been reported in the literature in individuals affected with ATP2A1-related conditions. ClinVar contains an entry for this variant (Variation ID: 1019139). Algorithms developed to predict the effect of missense changes on protein structure and function output the following: SIFT: "Tolerated"; PolyPhen-2: "Benign"; Align-GVGD: "Class C0". The isoleucine amino acid residue is found in multiple mammalian species, which suggests that this missense change does not adversely affect protein function. In summary, the available evidence is currently insufficient to determine the role of this variant in disease. Therefore, it has been classified as a Variant of Uncertain Significance.

NM_004320.6(ATP2A1):c.847G>A (p.Val283Ile)

Gene: ATP2A1 (ATPase sarcoplasmic/endoplasmic reticulum Ca2+ transporting 1; plus strand). Cytogenetic location: 16p11.2.
Variant type: single nucleotide variant.
Coding change: c.847G>A on transcript NM_004320.6 (MANE Select); coding-DNA position 847, G replaced by A.
Protein change: p.Val283Ile; replaces valine 283 with isoleucine.
Molecular consequence: missense variant.
Genome position (GRCh38, 1-based): chr16:28,887,641, G>A. VCF-style: chr16-28887641-G-A. GRCh37 (hg19) VCF-style: chr16-28898962-G-A.
Other names: c.472G>A, p.Val158Ile (NM_001286075.2); c.847G>A, p.Val283Ile (NM_173201.5); short protein forms V158I, V283I.
Identifiers: ClinVar variation 1019139 (VCV001019139.6), dbSNP rs781166858, ClinGen allele CA7986773.